The following is an entry in ClinVar:

ClinVar aggregate classification (germline): Uncertain significance (1 of 4 stars; one submission).

Submission:

Labcorp Genetics (formerly Invitae), Labcorp
Classification: Uncertain significance. Last evaluated: 2023-07-19. Review status: criteria provided, single submitter. Criteria: Invitae Variant Classification Sherloc (09022015). Collection method: clinical testing. Allele origin: germline.
Comment: In summary, the available evidence is currently insufficient to determine the role of this variant in disease. Therefore, it has been classified as a Variant of Uncertain Significance. Advanced modeling of protein sequence and biophysical properties (such as structural, functional, and spatial information, amino acid conservation, physicochemical variation, residue mobility, and thermodynamic stability) performed at Invitae indicates that this missense variant is not expected to disrupt MCM4 protein function. This variant has not been reported in the literature in individuals affected with MCM4-related conditions. This variant is not present in population databases (gnomAD no frequency). This sequence change replaces proline, which is neutral and non-polar, with threonine, which is neutral and polar, at codon 191 of the MCM4 protein (p.Pro191Thr).

NM_182746.3(MCM4):c.571C>A (p.Pro191Thr)

Gene: MCM4 (minichromosome maintenance complex component 4; plus strand). Cytogenetic location: 8q11.21.
Variant type: single nucleotide variant.
Coding change: c.571C>A on transcript NM_182746.3 (MANE Select); coding-DNA position 571, C replaced by A.
Protein change: p.Pro191Thr; replaces proline 191 with threonine.
Molecular consequence: missense variant.
Genome position (GRCh38, 1-based): chr8:47,962,833, C>A. VCF-style: chr8-47962833-C-A. GRCh37 (hg19) VCF-style: chr8-48875393-C-A.
Other names: c.571C>A, p.Pro191Thr (NM_005914.4); short protein forms P191T.
Identifiers: ClinVar variation 2778421 (VCV002778421.3), dbSNP rs548816846, ClinGen allele CA371146349.